The following is an entry in ClinVar:

NM_001363711.2(DUOX2):c.635C>G (p.Pro212Arg)

Gene: DUOX2 (dual oxidase 2; minus strand). Cytogenetic location: 15q21.1.
Variant type: single nucleotide variant.
Coding change: c.635C>G on transcript NM_001363711.2 (MANE Select); coding-DNA position 635, C replaced by G.
Protein change: p.Pro212Arg; replaces proline 212 with arginine.
Molecular consequence: missense variant.
Genome position (GRCh38, 1-based): chr15:45,111,464, G>C on the plus strand (C>G on the coding strand, the complement: DUOX2 is on the minus strand). VCF-style: chr15-45111464-G-C. GRCh37 (hg19) VCF-style: chr15-45403662-G-C.
Other names: c.635C>G, p.Pro212Arg (NM_014080.5); short protein forms P212R.
Identifiers: ClinVar variation 2574255 (VCV002574255.1), dbSNP rs1202267673, ClinGen allele CA392278895.
Genomic context (GRCh38, chr15:45,111,464, plus strand): 5'-TTCTGCCCGGTGGCGGGGTCGGGCGCCGCCCACATGAGCAGGGGGTTCTGCGAGTCTCGG[G>C]GGAAAGCGGGGTCGGGCCCCGACGCCAGCTGTCCCCCCGAGAAGCTCCGCAGCGCGTCGC-3'
Protein context (NP_001350640.1, residues 202-222): QLASGPDPAF[Pro212Arg]RDSQNPLLMW

ClinVar aggregate classification (germline): Uncertain significance (1 of 4 stars; one submission).

gnomAD v4.1: 31 of 1,551,168 alleles (0.002%); highest among the groups gnomAD compares: Non-Finnish European, 0.0027%; no homozygotes.

Submission:

GeneDx
Classification: Uncertain significance. Last evaluated: 2023-01-30. Review status: criteria provided, single submitter. Criteria: GeneDx Variant Classification Process June 2021. Collection method: clinical testing. Allele origin: germline. Affected: yes.
Comment: Not observed at significant frequency in large population cohorts (gnomAD); In silico analysis supports that this missense variant has a deleterious effect on protein structure/function; Has not been previously published as pathogenic or benign to our knowledge